The following is an entry in ClinVar:

ClinVar aggregate classification (germline): Benign/Likely benign. Review status: criteria provided, multiple submitters, no conflicts (2 of 4 stars). 2 submissions from 2 submitters: Benign (1); Likely benign (1). Last evaluated 2024-10-15.

Conditions:
Hereditary diffuse gastric adenocarcinoma (HDGC). Also called: DIFFUSE GASTRIC AND LOBULAR BREAST CANCER SYNDROME. Identifiers: Orphanet 26106, MedGen C1708349, MONDO:0007648, OMIM 137215.
Hereditary cancer-predisposing syndrome. Also called: Hereditary Cancer Syndrome; Hereditary neoplastic syndrome; Neoplastic Syndromes, Hereditary; Tumor predisposition. Identifiers: Orphanet 140162, MedGen C0027672, MeSH D009386, MONDO:0015356.

Submissions (2):

Myriad Genetics, Inc.
Classification: Benign for Hereditary diffuse gastric adenocarcinoma. Last evaluated: 2024-10-15. Review status: criteria provided, single submitter. Criteria: Myriad Autosomal Dominant, Autosomal Recessive and X-Linked Classification Criteria (2023). Collection method: clinical testing. Allele origin: unknown.
Comment: This variant is considered benign. This variant is a silent/synonymous amino acid change and it is not expected to impact splicing.

Ambry Genetics
Classification: Likely benign for Hereditary cancer-predisposing syndrome. Last evaluated: 2024-08-10. Review status: criteria provided, single submitter. Criteria: Ambry Variant Classification Scheme 2023. Collection method: clinical testing. Allele origin: germline.

NM_001903.5(CTNNA1):c.2280C>A (p.Gly760=)

Gene: CTNNA1 (catenin alpha 1; plus strand). Cytogenetic location: 5q31.2.
Variant type: single nucleotide variant.
Coding change: c.2280C>A on transcript NM_001903.5 (MANE Select); coding-DNA position 2280, C replaced by A.
Protein change: p.Gly760=; no amino-acid change (glycine 760 retained).
Molecular consequence: synonymous variant.
Genome position (GRCh38, 1-based): chr5:138,930,917, C>A. VCF-style: chr5-138930917-C-A. GRCh37 (hg19) VCF-style: chr5-138266606-C-A.
Other names: c.2280C>A, p.Gly760= (NM_001290307.3, NM_001323982.2, NM_001323983.1 and 2 more transcripts); c.1971C>A, p.Gly657= (NM_001290309.3); c.1911C>A, p.Gly637= (NM_001290310.3); c.1170C>A, p.Gly390= (NM_001290312.1, NM_001323987.1, NM_001323988.1 and 17 more transcripts); c.2187C>A, p.Gly729= (NM_001323986.2); c.831C>A, p.Gly277= (NM_001324006.1, NM_001324007.1, NM_001324008.1 and 2 more transcripts); c.1077C>A, p.Gly359= (NM_001324011.1); c.927C>A, p.Gly309= (NM_001324012.1, NM_001324013.1).
Identifiers: ClinVar variation 3498221 (VCV003498221.2).